The following is an entry in ClinVar:

ClinVar aggregate classification (germline): Uncertain significance (1 of 4 stars; one submission).

Conditions:
Fanconi anemia (FA). Also called: Fanconi's anemia. Identifiers: Orphanet 84, MedGen C0015625, MeSH D005199, MONDO:0019391.

Allele frequency attached by ClinVar (database versions not stated): ExAC 0.00001; TOPMed 0.00001; gnomAD 0.00001; gnomAD exomes 0.00001.
gnomAD v4.1: 14 of 1,613,924 alleles (0.00087%); highest among the groups gnomAD compares: Non-Finnish European, 0.00093%; no homozygotes.

Submission:

Labcorp Genetics (formerly Invitae), Labcorp
Classification: Uncertain significance for Fanconi anemia. Last evaluated: 2022-06-13. Review status: criteria provided, single submitter. Criteria: Invitae Variant Classification Sherloc (09022015). Collection method: clinical testing. Allele origin: germline.
Comment: This sequence change replaces threonine, which is neutral and polar, with alanine, which is neutral and non-polar, at codon 1376 of the FANCD2 protein (p.Thr1376Ala). This variant is present in population databases (rs780789790, gnomAD 0.0009%). This variant has not been reported in the literature in individuals affected with FANCD2-related conditions. Algorithms developed to predict the effect of missense changes on protein structure and function (SIFT, PolyPhen-2, Align-GVGD) all suggest that this variant is likely to be tolerated. In summary, the available evidence is currently insufficient to determine the role of this variant in disease. Therefore, it has been classified as a Variant of Uncertain Significance.

NM_001018115.3(FANCD2):c.4126A>G (p.Thr1376Ala)

Genes: FANCD2 (FA complementation group D2; plus strand), FANCD2OS (FANCD2 opposite strand; minus strand). Cytogenetic location: 3p25.3.
Variant type: single nucleotide variant.
Coding change: c.4126A>G on transcript NM_001018115.3 (MANE Select); coding-DNA position 4126, A replaced by G.
Protein change: p.Thr1376Ala; replaces threonine 1376 with alanine.
Molecular consequence: missense variant. On other transcripts: intron variant (1).
Genome position (GRCh38, 1-based): chr3:10,096,413, A>G. VCF-style: chr3-10096413-A-G. GRCh37 (hg19) VCF-style: chr3-10138097-A-G.
Other names: c.4126A>G, p.Thr1376Ala (NM_001319984.2, NM_033084.6); c.4015A>G, p.Thr1339Ala (NM_001374253.1); c.4087A>G, p.Thr1363Ala (NM_001374254.1); c.*43+7785T>C (NM_173472.2); short protein forms T1339A, T1376A, T1363A.
Identifiers: ClinVar variation 2194099 (VCV002194099.1), dbSNP rs780789790, ClinGen allele CA2250629.